The following is an entry in ClinVar:

NM_018292.5(QRSL1):c.540G>A (p.Ser180=)

Gene: QRSL1 (glutaminyl-tRNA amidotransferase subunit QRSL1; plus strand). Cytogenetic location: 6q21.
Variant type: single nucleotide variant.
Coding change: c.540G>A on transcript NM_018292.5 (MANE Select); coding-DNA position 540, G replaced by A.
Protein change: p.Ser180=; no amino-acid change (serine 180 retained).
Molecular consequence: synonymous variant.
Genome position (GRCh38, 1-based): chr6:106,649,184, G>A. VCF-style: chr6-106649184-G-A. GRCh37 (hg19) VCF-style: chr6-107097059-G-A.
Other names: c.540G>A (NM_018292.4).
Identifiers: ClinVar variation 1599879 (VCV001599879.10), dbSNP rs79895740, ClinGen allele CA3944775.
Genomic context (GRCh38, chr6:106,649,184, plus strand): 5'-TGAAGATTCAGACTGGCTGATAACTGGAGGAAGCTCAGGTGGGAGTGCAGCTGCTGTATC[G>A]GCGTTCACATGCTACGCGTAAGATGCTTTTCTCTATCTGTATTTTAAAACCCACCCAAAT-3'
Protein context (NP_060762.3, residues 170-190): GSSGGSAAAV[Ser180=]AFTCYAALGS

ClinVar aggregate classification (germline): Benign. Review status: criteria provided, single submitter (1 of 4 stars). 2 submissions from 2 submitters: Benign (1). 1 of the submissions does not count toward it. Last evaluated 2026-01-22.

Conditions:
QRSL1-related disorder. Also called: QRSL1-related condition.

Allele frequency attached by ClinVar (database versions not stated): gnomAD 0.00840 and 0.00901; ExAC 0.00253; TOPMed 0.00949; gnomAD exomes 0.00077 and 0.00187; 1000 Genomes Project 0.00699; 1000 Genomes Project 30x 0.00734; ESP Exome Variant Server 0.00992.
gnomAD v4.1: 2,449 of 1,614,004 alleles (0.15%); highest among the groups gnomAD compares: African/African-American, 2.8%; 38 homozygotes.

Submissions (2):

Labcorp Genetics (formerly Invitae), Labcorp
Classification: Benign. Last evaluated: 2026-01-22. Review status: criteria provided, single submitter. Criteria: Invitae Variant Classification Sherloc (09022015). Collection method: clinical testing. Allele origin: germline.

PreventionGenetics, part of Exact Sciences
Classification: Benign for QRSL1-related condition. Last evaluated: 2019-04-02. Review status: no assertion criteria provided. Collection method: clinical testing. Allele origin: germline. Not counted in ClinVar's aggregate classification.
Comment: This variant is classified as benign based on ACMG/AMP sequence variant interpretation guidelines (Richards et al. 2015 PMID: 25741868, with internal and published modifications).